The following is an entry in ClinVar:

NM_004006.3(DMD):c.976G>C (p.Glu326Gln)

Gene: DMD (dystrophin; minus strand). Cytogenetic location: Xp21.1.
Variant type: single nucleotide variant.
Coding change: c.976G>C on transcript NM_004006.3 (MANE Select); coding-DNA position 976, G replaced by C.
Protein change: p.Glu326Gln; replaces glutamic acid 326 with glutamine.
Molecular consequence: missense variant.
Genome position (GRCh38, 1-based): chrX:32,645,137, C>G on the plus strand (G>C on the coding strand, the complement: DMD is on the minus strand). VCF-style: chrX-32645137-C-G. GRCh37 (hg19) VCF-style: chrX-32663254-C-G.
Other names: c.952G>C, p.Glu318Gln (NM_000109.4); c.964G>C, p.Glu322Gln (NM_004009.3); c.607G>C, p.Glu203Gln (NM_004010.3); short protein forms E203Q, E318Q, E322Q, E326Q.
Identifiers: ClinVar variation 2626677 (VCV002626677.2), dbSNP rs2059702093, ClinGen allele CA412662386.
Genomic context (GRCh38, chrX:32,645,137, plus strand): 5'-TTTGATAACGGTCCAGGTTTACTTCACTCTCCATCAATGAACTGCCAAATGACTTGTCTT[C>G]AGGAGCTTCCAAATGCTGCACAATAAAATAAATTGGGTGTTACACAATTAATGTCTTTGC-3'
Protein context (NP_003997.2, residues 316-336): PFPSQHLEAP[Glu326Gln]DKSFGSSLME

ClinVar aggregate classification (germline): Uncertain significance (1 of 4 stars; one submission).

Conditions:
Cardiovascular phenotype. Identifiers: MedGen CN230736.

Allele frequency attached by ClinVar (database versions not stated): gnomAD exomes 0.00001.
gnomAD v4.1: 3 of 1,211,441 alleles (0.00025%); highest among the groups gnomAD compares: Non-Finnish European, 0.00034%; no homozygotes.

Submission:

Ambry Genetics
Classification: Uncertain significance for Cardiovascular phenotype. Last evaluated: 2023-07-19. Review status: criteria provided, single submitter. Criteria: Ambry Variant Classification Scheme 2023. Collection method: clinical testing. Allele origin: germline.
Comment: The p.E326Q variant (also known as c.976G>C), located in coding exon 10 of the DMD gene, results from a G to C substitution at nucleotide position 976. The glutamic acid at codon 326 is replaced by glutamine, an amino acid with highly similar properties. This amino acid position is not well conserved in available vertebrate species. In addition, this alteration is predicted to be tolerated by in silico analysis. Since supporting evidence is limited at this time, the clinical significance of this alteration remains unclear.